The following is an entry in ClinVar:

NM_001754.5(RUNX1):c.505A>G (p.Arg169Gly)

Genes: RUNX1 (RUNX family transcription factor 1; minus strand), RUNX1-AS1 (RUNX1 antisense RNA 1; plus strand). Cytogenetic location: 21q22.12.
Variant type: single nucleotide variant.
Coding change: c.505A>G on transcript NM_001754.5 (MANE Select); coding-DNA position 505, A replaced by G.
Protein change: p.Arg169Gly; replaces arginine 169 with glycine.
Molecular consequence: missense variant.
Genome position (GRCh38, 1-based): chr21:34,880,560, T>C on the plus strand (A>G on the coding strand, the complement: RUNX1 is on the minus strand). VCF-style: chr21-34880560-T-C. GRCh37 (hg19) VCF-style: chr21-36252857-T-C.
Other names: NM_001754.5(RUNX1):c.505A>G; p.Arg169Gly; c.424A>G, p.Arg142Gly (NM_001001890.3, NM_001122607.2); short protein forms R142G, R169G.
Identifiers: ClinVar variation 1684391 (VCV001684391.4), dbSNP rs2146360262, ClinGen allele CA410202473.

ClinVar aggregate classification (germline): Likely pathogenic. Review status: reviewed by expert panel (3 of 4 stars). 2 submissions from 2 submitters: Likely pathogenic (1). 1 of the submissions does not count toward it. Last evaluated 2026-04-29.

Conditions:
Hereditary thrombocytopenia and hematologic cancer predisposition syndrome. Identifiers: Orphanet 71290, MedGen CN281654, MONDO:0011071.
Hereditary thrombocytopenia and hematological cancer predisposition syndrome associated with RUNX1. Also called: PLATELET DISORDER, ASPIRIN-LIKE; RUNX1 Familial Platelet Disorder with Associated Myeloid Malignancies; Familial Platelet Disorder with Propensity to Acute Myelogenous Leukemia; Familial thrombocytopenia with propensity to acute myelogenous leukemia. Identifiers: Orphanet 71290, MedGen C1832388, MeSH C563324, MONDO:0100083, OMIM 601399.

Submissions (2):

ClinGen Myeloid Malignancy Variant Curation Expert Panel
Classification: Likely pathogenic for Hereditary thrombocytopenia and hematologic cancer predisposition syndrome. Last evaluated: 2026-04-29. Review status: reviewed by expert panel. Criteria: ClinGen MyeloMalig ACMG Specifications V3.1. Collection method: curation. Allele origin: germline. Inheritance: Autosomal dominant inheritance.
Comment: NM_001754.5(RUNX1):c.505A>G (p.Arg169Gly) is a missense variant which affects one of the hotspot residues (R169) in the RHD (PM1_strong). This variant has a REVEL score ≥ 0.88 (0.921) (PP3) and is completely absent from all population databases with at least 20x coverage for RUNX1 (PM2_supporting). In summary, this variant meets criteria to be classified as likely pathogenic. ACMG/AMP criteria applied, as specified by the Myeloid Malignancy Variant Curation Expert Panel for RUNX1: PM1_strong, PP3, PM2_supporting.

ISTH-SSC Genomics in Thrombosis and Hemostasis, KU Leuven, Center for Molecular and Vascular Biology
Classification: Uncertain significance for Hereditary thrombocytopenia and hematological cancer predisposition syndrome associated with RUNX1. Review status: no assertion criteria provided. Collection method: research. Allele origin: unknown. Affected: yes. Not counted in ClinVar's aggregate classification.
Comment: Submitted to GoldVariant by Neil Morgan from Birmingham Platelet Group, Birmingham, UK